The following is an entry in ClinVar:

NM_133642.5(LARGE1):c.1991G>C (p.Arg664Thr)

Gene: LARGE1 (LARGE xylosyl- and glucuronyltransferase 1; minus strand). Cytogenetic location: 22q12.3.
Variant type: single nucleotide variant.
Coding change: c.1991G>C on transcript NM_133642.5 (MANE Select); coding-DNA position 1991, G replaced by C.
Protein change: p.Arg664Thr; replaces arginine 664 with threonine.
Molecular consequence: missense variant.
Genome position (GRCh38, 1-based): chr22:33,277,142, C>G on the plus strand (G>C on the coding strand, the complement: LARGE1 is on the minus strand). VCF-style: chr22-33277142-C-G. GRCh37 (hg19) VCF-style: chr22-33673128-C-G.
Other names: c.1991G>C, p.Arg664Thr (NM_001362949.2, NM_001362951.2, NM_001362953.2 and 4 more transcripts); c.1844G>C, p.Arg615Thr (NM_001378627.1, NM_001378628.1); c.1835G>C, p.Arg612Thr (NM_001378629.1); c.1388G>C, p.Arg463Thr (NM_001378630.1); c.1085G>C, p.Arg362Thr (NM_001378631.1); short protein forms R612T, R615T, R362T, R664T, R463T.
Identifiers: ClinVar variation 951572 (VCV000951572.10), dbSNP rs1929475941, ClinGen allele CA411542832.

ClinVar aggregate classification (germline): Uncertain significance (1 of 4 stars; one submission).

Conditions:
Muscular dystrophy-dystroglycanopathy type B6 (MDDGB6). Also called: MUSCULAR DYSTROPHY-DYSTROGLYCANOPATHY (CONGENITAL WITH IMPAIRED INTELLECTUAL DEVELOPMENT), TYPE B, 6; MUSCULAR DYSTROPHY, CONGENITAL, LARGE-RELATED; MUSCULAR DYSTROPHY, CONGENITAL, TYPE 1D. Identifiers: MedGen C1837229, MONDO:0012138, OMIM 608840.

Submission:

Labcorp Genetics (formerly Invitae), Labcorp
Classification: Uncertain significance for Muscular dystrophy-dystroglycanopathy type B6. Last evaluated: 2022-01-13. Review status: criteria provided, single submitter. Criteria: Invitae Variant Classification Sherloc (09022015). Collection method: clinical testing. Allele origin: germline.
Comment: This sequence change replaces arginine, which is basic and polar, with threonine, which is neutral and polar, at codon 664 of the LARGE1 protein (p.Arg664Thr). This variant is not present in population databases (gnomAD no frequency). This variant has not been reported in the literature in individuals affected with LARGE1-related conditions. ClinVar contains an entry for this variant (Variation ID: 951572). Algorithms developed to predict the effect of missense changes on protein structure and function are either unavailable or do not agree on the potential impact of this missense change (SIFT: "Deleterious"; PolyPhen-2: "Possibly Damaging"; Align-GVGD: "Class C0"). In summary, the available evidence is currently insufficient to determine the role of this variant in disease. Therefore, it has been classified as a Variant of Uncertain Significance.